The following is an entry in ClinVar:

NM_020964.3(EPG5):c.6204G>T (p.Met2068Ile)

Gene: EPG5 (ectopic P-granules 5 autophagy tethering factor; minus strand). Cytogenetic location: 18q12.3.
Variant type: single nucleotide variant.
Coding change: c.6204G>T on transcript NM_020964.3 (MANE Select); coding-DNA position 6204, G replaced by T.
Protein change: p.Met2068Ile; replaces methionine 2068 with isoleucine.
Molecular consequence: missense variant.
Genome position (GRCh38, 1-based): chr18:45,870,588, C>A on the plus strand (G>T on the coding strand, the complement: EPG5 is on the minus strand). VCF-style: chr18-45870588-C-A. GRCh37 (hg19) VCF-style: chr18-43450553-C-A.
Other names: short protein forms M2068I.
Identifiers: ClinVar variation 1501987 (VCV001501987.7), dbSNP rs2048848821, ClinGen allele CA402340394.

ClinVar aggregate classification (germline): Uncertain significance (1 of 4 stars; one submission).

Conditions:
Vici syndrome (VICIS). Identifiers: Orphanet 1493, MedGen C1855772, MONDO:0009452, OMIM 242840.

Submission:

Labcorp Genetics (formerly Invitae), Labcorp
Classification: Uncertain significance for Vici syndrome. Last evaluated: 2022-10-17. Review status: criteria provided, single submitter. Criteria: Invitae Variant Classification Sherloc (09022015). Collection method: clinical testing. Allele origin: germline.
Comment: ClinVar contains an entry for this variant (Variation ID: 1501987). In summary, the available evidence is currently insufficient to determine the role of this variant in disease. Therefore, it has been classified as a Variant of Uncertain Significance. Advanced modeling of protein sequence and biophysical properties (such as structural, functional, and spatial information, amino acid conservation, physicochemical variation, residue mobility, and thermodynamic stability) performed at Invitae indicates that this missense variant is not expected to disrupt EPG5 protein function. This variant has not been reported in the literature in individuals affected with EPG5-related conditions. This variant is not present in population databases (gnomAD no frequency). This sequence change replaces methionine, which is neutral and non-polar, with isoleucine, which is neutral and non-polar, at codon 2068 of the EPG5 protein (p.Met2068Ile).